The following is an entry in ClinVar:

ClinVar aggregate classification (germline): Uncertain significance (1 of 4 stars; one submission).

Conditions:
Pityriasis rubra pilaris (PRP). Also called: Pityriasis rubra pilaris--familial type. Identifiers: Orphanet 2897, MedGen C0032027, MONDO:0100017, OMIM 173200, MONDO:0008251.
Psoriasis 2. Identifiers: MedGen C1864497, MONDO:0011269, OMIM 602723.

Submission:

Labcorp Genetics (formerly Invitae), Labcorp
Classification: Uncertain significance for Pityriasis rubra pilaris; Psoriasis 2. Last evaluated: 2022-05-06. Review status: criteria provided, single submitter. Criteria: Invitae Variant Classification Sherloc (09022015). Collection method: clinical testing. Allele origin: germline.
Comment: In summary, the available evidence is currently insufficient to determine the role of this variant in disease. Therefore, it has been classified as a Variant of Uncertain Significance. This variant has not been reported in the literature in individuals affected with CARD14-related conditions. This variant is not present in population databases (gnomAD no frequency). This sequence change creates a premature translational stop signal (p.Arg220Thrfs*26) in the CARD14 gene. It is expected to result in an absent or disrupted protein product. However, the current clinical and genetic evidence is not sufficient to establish whether loss-of-function variants in CARD14 cause disease.

NM_001366385.1(CARD14):c.632_633insAAAGGAGCTGGCCGCCTCTCGCTGCACTATAGCAATGCGCTGCAGGA (p.Arg220fs)

Gene: CARD14 (caspase recruitment domain family member 14; plus strand). Cytogenetic location: 17q25.3.
Variant type: Insertion.
Coding change: c.632_633insAAAGGAGCTGGCCGCCTCTCGCTGCACTATAGCAATGCGCTGCAGGA on transcript NM_001366385.1 (MANE Select); coding-DNA positions 632 to 633, AAAGGAGCTGGCCGCCTCTCGCTGCACTATAGCAATGCGCTGCAGGA inserted.
Protein change: p.Arg220fs; shifts the reading frame from arginine 220.
Molecular consequence: frameshift variant. On other transcripts: non-coding transcript variant (1).
Genome position: GRCh38: chr17:80,184,195-80,184,196. GRCh37 (hg19): chr17:78,157,994-78,157,995.
Other names: c.632_633insAAAGGAGCTGGCCGCCTCTCGCTGCACTATAGCAATGCGCTGCAGGA, p.Arg220fs (NM_001257970.1, NM_024110.4); short protein forms R220fs.
Identifiers: ClinVar variation 2100594 (VCV002100594.4), dbSNP rs2510588776, ClinGen allele CA2580095272.